The following is an entry in ClinVar:

NM_002439.5(MSH3):c.2768C>A (p.Pro923His)

Gene: MSH3 (mutS homolog 3; plus strand). Cytogenetic location: 5q14.1.
Variant type: single nucleotide variant.
Coding change: c.2768C>A on transcript NM_002439.5 (MANE Select); coding-DNA position 2768, C replaced by A.
Protein change: p.Pro923His; replaces proline 923 with histidine.
Molecular consequence: missense variant.
Genome position (GRCh38, 1-based): chr5:80,813,696, C>A. VCF-style: chr5-80813696-C-A. GRCh37 (hg19) VCF-style: chr5-80109515-C-A.
Other names: c.2768C>A (NM_002439.3); short protein forms P923H.
Identifiers: ClinVar variation 1933968 (VCV001933968.6), dbSNP rs2546797414, ClinGen allele CA360274035.

ClinVar aggregate classification (germline): Uncertain significance. Review status: criteria provided, multiple submitters, no conflicts (2 of 4 stars). 2 submissions from 2 submitters: Uncertain significance (2). Last evaluated 2025-07-09.

Conditions:
Hereditary cancer-predisposing syndrome. Also called: Neoplastic Syndromes, Hereditary; Hereditary Cancer Syndrome; Tumor predisposition; Hereditary neoplastic syndrome. Identifiers: Orphanet 140162, MedGen C0027672, MeSH D009386, MONDO:0015356.

Submissions (2):

Ambry Genetics
Classification: Uncertain significance for Hereditary cancer-predisposing syndrome. Last evaluated: 2025-07-09. Review status: criteria provided, single submitter. Criteria: Ambry Variant Classification Scheme 2023. Collection method: clinical testing. Allele origin: germline.
Comment: The p.P923H variant (also known as c.2768C>A), located in coding exon 20 of the MSH3 gene, results from a C to A substitution at nucleotide position 2768. The proline at codon 923 is replaced by histidine, an amino acid with similar properties. This amino acid position is conserved. In addition, this alteration is predicted to be deleterious by in silico analysis. Based on the available evidence, the clinical significance of this variant remains unclear.

Labcorp Genetics (formerly Invitae), Labcorp
Classification: Uncertain significance. Last evaluated: 2022-04-21. Review status: criteria provided, single submitter. Criteria: Invitae Variant Classification Sherloc (09022015). Collection method: clinical testing. Allele origin: germline.
Comment: This variant is not present in population databases (gnomAD no frequency). In summary, the available evidence is currently insufficient to determine the role of this variant in disease. Therefore, it has been classified as a Variant of Uncertain Significance. Algorithms developed to predict the effect of missense changes on protein structure and function are either unavailable or do not agree on the potential impact of this missense change (SIFT: "Deleterious"; PolyPhen-2: "Probably Damaging"; Align-GVGD: "Class C0"). This variant has not been reported in the literature in individuals affected with MSH3-related conditions. This sequence change replaces proline, which is neutral and non-polar, with histidine, which is basic and polar, at codon 923 of the MSH3 protein (p.Pro923His).